The following is an entry in ClinVar:

NM_001113378.2(FANCI):c.934C>G (p.Leu312Val)

Gene: FANCI (FA complementation group I; plus strand). Cytogenetic location: 15q26.1.
Variant type: single nucleotide variant.
Coding change: c.934C>G on transcript NM_001113378.2 (MANE Select); coding-DNA position 934, C replaced by G.
Protein change: p.Leu312Val; replaces leucine 312 with valine.
Molecular consequence: missense variant.
Genome position (GRCh38, 1-based): chr15:89,273,428, C>G. VCF-style: chr15-89273428-C-G. GRCh37 (hg19) VCF-style: chr15-89816659-C-G.
Other names: c.655C>G, p.Leu219Val (NM_001376910.1); c.934C>G, p.Leu312Val (NM_001376911.1, NM_018193.3); short protein forms L219V, L312V.
Identifiers: ClinVar variation 3713029 (VCV003713029.3).
Genomic context (GRCh38, chr15:89,273,428, plus strand): 5'-CTCTTCTAGGTAGGACAGCAAGGAGATTCCAATAATAACTTAAGTCCCTTCAGCATTGCT[C>G]TTCTTCTGTCTGTAACAAGAATACAAAGATTTCAGGACCAGGTATTTTTTTAAAATGCCA-3'
Protein context (NP_001106849.1, residues 302-322): NNNLSPFSIA[Leu312Val]LLSVTRIQRF

ClinVar aggregate classification (germline): Uncertain significance. Review status: criteria provided, multiple submitters, no conflicts (2 of 4 stars). 2 submissions from 2 submitters: Uncertain significance (2). Last evaluated 2024-08-13.

Conditions:
Fanconi anemia (FA). Also called: Fanconi's anemia. Identifiers: Orphanet 84, MedGen C0015625, MeSH D005199, MONDO:0019391.

gnomAD v4.1: 4 of 1,603,354 alleles (0.00025%); highest among the groups gnomAD compares: Middle Eastern, 0.017%; no homozygotes.

Submissions (2):

Labcorp Genetics (formerly Invitae), Labcorp
Classification: Uncertain significance for Fanconi anemia. Last evaluated: 2024-08-13. Review status: criteria provided, single submitter. Criteria: Invitae Variant Classification Sherloc (09022015). Collection method: clinical testing. Allele origin: germline.
Comment: This sequence change replaces leucine, which is neutral and non-polar, with valine, which is neutral and non-polar, at codon 312 of the FANCI protein (p.Leu312Val). This variant is present in population databases (rs749013382, gnomAD 0.003%). This variant has not been reported in the literature in individuals affected with FANCI-related conditions. Advanced modeling of protein sequence and biophysical properties (such as structural, functional, and spatial information, amino acid conservation, physicochemical variation, residue mobility, and thermodynamic stability) has been performed at Invitae for this missense variant, however the output from this modeling did not meet the statistical confidence thresholds required to predict the impact of this variant on FANCI protein function. In summary, the available evidence is currently insufficient to determine the role of this variant in disease. Therefore, it has been classified as a Variant of Uncertain Significance.

Blueprint Genetics
Classification: Uncertain significance. Last evaluated: 2022-03-23. Review status: criteria provided, single submitter. Criteria: ACMG Guidelines, 2015. Collection method: clinical testing. Allele origin: germline.